The following is an entry in ClinVar:

NM_147127.5(EVC2):c.2619_2629del (p.Arg874fs)

Gene: EVC2 (EvC ciliary complex subunit 2; minus strand). Cytogenetic location: 4p16.2.
Variant type: Deletion.
Coding change: c.2619_2629del on transcript NM_147127.5 (MANE Select); coding-DNA positions 2619 to 2629, 11 bases deleted (CCGAGTTCTGC).
Protein change: p.Arg874fs; shifts the reading frame from arginine 874.
Molecular consequence: frameshift variant.
Genome position (GRCh38, 1-based): chr4:5,618,555-5,618,565, GCAGAACTCGG deleted on the plus strand (CCGAGTTCTGC on the coding strand, the reverse complement: EVC2 is on the minus strand); deleting any 11 consecutive bases within chr4:5,618,555-5,618,567 gives the same sequence; the c. name uses the placement nearest the transcript's 3' end. VCF-style (leftmost placement, unchanged base first): chr4-5618554-AGCAGAACTCGG-A. GRCh37 (hg19) VCF-style: chr4-5620281-AGCAGAACTCGG-A.
Other names: c.2379_2389del, p.Arg794fs (NM_001166136.2); short protein forms R874fs, R794fs.
Identifiers: ClinVar variation 2950070 (VCV002950070.3), dbSNP rs2475360516, ClinGen allele CA2740091124.
Genomic context (GRCh38, chr4:5,618,554, plus strand): 5'-GCCACGGCCTGGTCCAGCTTCACGAACTCTGCTTCTCGCCACGCAGTCTGAAATTGCTGC[AGCAGAACTCGG>A]GCCCGGATCTTGGGGAGGGCCAAGCTCCTGTCCATCTGAGCAAAGCAGCCATGGACCTCC-3'

ClinVar aggregate classification (germline): Pathogenic (1 of 4 stars; one submission).

Conditions:
Curry-Hall syndrome (WAD). Also called: WEYERS ACRODENTAL DYSOSTOSIS. Identifiers: Orphanet 952, MedGen C0457013, MONDO:0008673, OMIM 193530.
Ellis-van Creveld syndrome (EVC). Also called: EVC-Related Ellis-van Creveld Syndrome; EVC2-Related Ellis-van Creveld Syndrome; MESOECTODERMAL DYSPLASIA; Chondroectodermal dysplasia. Identifiers: Orphanet 289, MedGen C0013903, MONDO:0009162, OMIM 225500.

Submission:

Labcorp Genetics (formerly Invitae), Labcorp
Classification: Pathogenic for Curry-Hall syndrome; Ellis-van Creveld syndrome. Last evaluated: 2023-07-19. Review status: criteria provided, single submitter. Criteria: Invitae Variant Classification Sherloc (09022015). Collection method: clinical testing. Allele origin: germline.
Comment: For these reasons, this variant has been classified as Pathogenic. This variant has not been reported in the literature in individuals affected with EVC2-related conditions. This variant is not present in population databases (gnomAD no frequency). This sequence change creates a premature translational stop signal (p.Arg874Alafs*23) in the EVC2 gene. It is expected to result in an absent or disrupted protein product. Loss-of-function variants in EVC2 are known to be pathogenic (PMID: 17024374, 19810119, 19876929).

Literature cited by the submitters: PubMed 17024374; PubMed 19810119; PubMed 19876929.